The following is an entry in ClinVar:

NM_014028.4(OSTM1):c.615+4T>C

Gene: OSTM1 (osteoclastogenesis associated transmembrane protein 1; minus strand). Cytogenetic location: 6q21.
Variant type: single nucleotide variant.
Coding change: c.615+4T>C on transcript NM_014028.4 (MANE Select); 4 bases into the intron after coding-DNA position 615, T replaced by C.
Molecular consequence: intron variant.
Genome position (GRCh38, 1-based): chr6:108,054,486, A>G on the plus strand (T>C on the coding strand, the complement: OSTM1 is on the minus strand). VCF-style: chr6-108054486-A-G. GRCh37 (hg19) VCF-style: chr6-108375690-A-G.
Identifiers: ClinVar variation 1978285 (VCV001978285.4), dbSNP rs2482181724, ClinGen allele CA2578706644.

ClinVar aggregate classification (germline): Uncertain significance (1 of 4 stars; one submission).

Allele frequency attached by ClinVar (database versions not stated): gnomAD exomes below 0.00001.
gnomAD v4.1: 1 of 1,327,022 alleles (0.000075%); highest among the groups gnomAD compares: Non-Finnish European, 0.00011%; no homozygotes.

Submission:

Labcorp Genetics (formerly Invitae), Labcorp
Classification: Uncertain significance. Last evaluated: 2022-02-22. Review status: criteria provided, single submitter. Criteria: Invitae Variant Classification Sherloc (09022015). Collection method: clinical testing. Allele origin: germline.
Comment: Variants that disrupt the consensus splice site are a relatively common cause of aberrant splicing (PMID: 17576681, 9536098). Algorithms developed to predict the effect of sequence changes on RNA splicing suggest that this variant is not likely to affect RNA splicing. In summary, the available evidence is currently insufficient to determine the role of this variant in disease. Therefore, it has been classified as a Variant of Uncertain Significance. This variant has not been reported in the literature in individuals affected with OSTM1-related conditions. This sequence change falls in intron 3 of the OSTM1 gene. It does not directly change the encoded amino acid sequence of the OSTM1 protein. It affects a nucleotide within the consensus splice site. This variant is not present in population databases (gnomAD no frequency).

Literature cited by the submitters: PubMed 17576681; PubMed 9536098.